The following is an entry in ClinVar:

NM_000019.4(ACAT1):c.940G>C (p.Ala314Pro)

Gene: ACAT1 (acetyl-CoA acetyltransferase 1; plus strand). Cytogenetic location: 11q22.3.
Variant type: single nucleotide variant.
Coding change: c.940G>C on transcript NM_000019.4 (MANE Select); coding-DNA position 940, G replaced by C.
Protein change: p.Ala314Pro; replaces alanine 314 with proline.
Molecular consequence: missense variant. On other transcripts: non-coding transcript variant (2).
Genome position (GRCh38, 1-based): chr11:108,142,550, G>C. VCF-style: chr11-108142550-G-C. GRCh37 (hg19) VCF-style: chr11-108013277-G-C.
Other names: c.940G>C, p.Ala314Pro (NM_001386677.1); c.625G>C, p.Ala209Pro (NM_001386678.1); c.643G>C, p.Ala215Pro (NM_001386679.1); c.670G>C, p.Ala224Pro (NM_001386681.1, NM_001386682.1, NM_001386685.1 and 6 more transcripts); short protein forms A224P, A209P, A215P, A314P.
Identifiers: ClinVar variation 3709612 (VCV003709612.2).

ClinVar aggregate classification (germline): Likely pathogenic (1 of 4 stars; one submission).

Conditions:
Deficiency of acetyl-CoA acetyltransferase. Also called: 3-KETOTHIOLASE DEFICIENCY; 3-OXOTHIOLASE DEFICIENCY; MITOCHONDRIAL ACETOACETYL-CoA THIOLASE DEFICIENCY; Beta-ketothiolase deficiency. Identifiers: Orphanet 134, MedGen C1536500, MONDO:0008760, OMIM 203750. Disease mechanism: loss of function.

gnomAD v4.1: 10 of 1,612,684 alleles (0.00062%); highest among the groups gnomAD compares: African/African-American, 0.0053%; no homozygotes.

Submission:

Labcorp Genetics (formerly Invitae), Labcorp
Classification: Likely pathogenic for Deficiency of acetyl-CoA acetyltransferase. Last evaluated: 2024-05-20. Review status: criteria provided, single submitter. Criteria: Invitae Variant Classification Sherloc (09022015). Collection method: clinical testing. Allele origin: germline.
Comment: This sequence change affects codon 314 of the ACAT1 mRNA. It is a 'silent' change, meaning that it does not change the encoded amino acid sequence of the ACAT1 protein. This variant also falls at the last nucleotide of exon 9, which is part of the consensus splice site for this exon. This variant is present in population databases (rs781364671, gnomAD 0.008%). This variant has been observed in individual(s) with clinical features of ACAT1-related conditions (Invitae). In at least one individual the data is consistent with being in trans (on the opposite chromosome) from a pathogenic variant. An algorithm developed to predict the effect of missense changes on protein structure and function (PolyPhen-2) suggests that this variant is likely to be disruptive. Variants that disrupt the consensus splice site are a relatively common cause of aberrant splicing (PMID: 17576681, 9536098). Algorithms developed to predict the effect of sequence changes on RNA splicing suggest that this variant may disrupt the consensus splice site. In summary, the currently available evidence indicates that the variant is pathogenic, but additional data are needed to prove that conclusively. Therefore, this variant has been classified as Likely Pathogenic.

Literature cited by the submitters: PubMed 17576681; PubMed 9536098.